The following is an entry in ClinVar:

NM_001142800.2(EYS):c.8927A>G (p.Asn2976Ser)

Genes: EYS (eyes shut homolog; minus strand), PHF3 (PHD finger protein 3; plus strand). Cytogenetic location: 6q12.
Variant type: single nucleotide variant.
Coding change: c.8927A>G on transcript NM_001142800.2 (MANE Select); coding-DNA position 8927, A replaced by G.
Protein change: p.Asn2976Ser; replaces asparagine 2976 with serine.
Molecular consequence: missense variant. On other transcripts: 3 prime UTR variant (5).
Genome position (GRCh38, 1-based): chr6:63,721,104, T>C on the plus strand (A>G on the coding strand, the complement: EYS is on the minus strand). VCF-style: chr6-63721104-T-C. GRCh37 (hg19) VCF-style: chr6-64431000-T-C.
Other names: c.*7396T>C (NM_001290259.2, NM_001370348.2, NM_001370349.2 and 2 more transcripts); c.8990A>G, p.Asn2997Ser (NM_001292009.2); short protein forms N2997S, N2976S.
Identifiers: ClinVar variation 2154615 (VCV002154615.1), dbSNP rs1429566114, ClinGen allele CA364383652.

ClinVar aggregate classification (germline): Uncertain significance (1 of 4 stars; one submission).

gnomAD v4.1: 30 of 1,551,396 alleles (0.0019%); highest among the groups gnomAD compares: Non-Finnish European, 0.0025%; no homozygotes.

Submission:

Labcorp Genetics (formerly Invitae), Labcorp
Classification: Uncertain significance. Last evaluated: 2022-03-26. Review status: criteria provided, single submitter. Criteria: Invitae Variant Classification Sherloc (09022015). Collection method: clinical testing. Allele origin: germline.
Comment: This sequence change replaces asparagine, which is neutral and polar, with serine, which is neutral and polar, at codon 2976 of the EYS protein (p.Asn2976Ser). This variant is present in population databases (no rsID available, gnomAD 0.002%). This variant has not been reported in the literature in individuals affected with EYS-related conditions. Algorithms developed to predict the effect of missense changes on protein structure and function (SIFT, PolyPhen-2, Align-GVGD) all suggest that this variant is likely to be tolerated. In summary, the available evidence is currently insufficient to determine the role of this variant in disease. Therefore, it has been classified as a Variant of Uncertain Significance.